The following is an entry in ClinVar:

ClinVar aggregate classification (germline): Uncertain significance (1 of 4 stars; one submission).

gnomAD v4.1: 1 of 1,553,354 alleles (0.000064%); highest among the groups gnomAD compares: Non-Finnish European, 0.000087%; no homozygotes.

Submission:

Labcorp Genetics (formerly Invitae), Labcorp
Classification: Uncertain significance. Last evaluated: 2025-09-03. Review status: criteria provided, single submitter. Criteria: Invitae Variant Classification Sherloc (09022015). Collection method: clinical testing. Allele origin: germline.
Comment: This sequence change replaces methionine, which is neutral and non-polar, with threonine, which is neutral and polar, at codon 715 of the MCM5 protein (p.Met715Thr). This variant is not present in population databases (gnomAD no frequency). This variant has not been reported in the literature in individuals affected with MCM5-related conditions. An algorithm developed to predict the effect of missense changes on protein structure and function (PolyPhen-2) suggests that this variant is likely to be disruptive. In summary, the available evidence is currently insufficient to determine the role of this variant in disease. Therefore, it has been classified as a Variant of Uncertain Significance.

NM_006739.4(MCM5):c.2144T>C (p.Met715Thr)

Gene: MCM5 (minichromosome maintenance complex component 5; plus strand). Cytogenetic location: 22q12.3.
Variant type: single nucleotide variant.
Coding change: c.2144T>C on transcript NM_006739.4 (MANE Select); coding-DNA position 2144, T replaced by C.
Protein change: p.Met715Thr; replaces methionine 715 with threonine.
Molecular consequence: missense variant.
Genome position (GRCh38, 1-based): chr22:35,424,194, T>C. VCF-style: chr22-35424194-T-C. GRCh37 (hg19) VCF-style: chr22-35820187-T-C.
Other names: short protein forms M715T.
Identifiers: ClinVar variation 4696830 (VCV004696830.1).